The following is an entry in ClinVar:

ClinVar aggregate classification (germline): Likely pathogenic. Review status: criteria provided, multiple submitters, no conflicts (2 of 4 stars). 2 submissions from 2 submitters: Likely pathogenic (2). Last evaluated 2024-05-28.

Conditions:
Sulfite oxidase deficiency due to molybdenum cofactor deficiency type B1 (MOCODB1). Also called: Molybdenum cofactor deficiency, complementation group B; Sulfite oxidase deficiency due to molybdenum cofactor deficiency type B; MOLYBDENUM COFACTOR DEFICIENCY, TYPE B1; Molybdenum cofactor deficiency B. Identifiers: Orphanet 308393, Orphanet 833, MedGen C6065887, MONDO:0009644, OMIM 252160.

Allele frequency attached by ClinVar (database versions not stated): gnomAD exomes 0.00001.

Submissions (2):

Fulgent Genetics
Classification: Likely pathogenic for Sulfite oxidase deficiency due to molybdenum cofactor deficiency type B1. Last evaluated: 2024-05-28. Review status: criteria provided, single submitter. Criteria: ACMG Guidelines, 2015. Collection method: clinical testing. Allele origin: germline.

GeneDx
Classification: Likely pathogenic. Last evaluated: 2017-10-03. Review status: criteria provided, single submitter. Criteria: GeneDx Variant Classification (06012015). Collection method: clinical testing. Allele origin: germline. Affected: yes.
Comment: The W38X variant in the MOCS2 gene has not been reported previously as a pathogenic variant, nor as a benign variant, to our knowledge. This variant is predicted to cause loss of normal protein function either through protein truncation or nonsense-mediated mRNA decay. The W38X variant is not observed in large population cohorts (Lek et al., 2016). We interpret W38X as a likely pathogenic variant.

NM_176806.4(MOCS2):c.114G>A (p.Trp38Ter)

Gene: MOCS2 (molybdenum cofactor synthesis 2; minus strand). Cytogenetic location: 5q11.2.
Variant type: single nucleotide variant.
Coding change: c.114G>A on transcript NM_176806.4 (MANE Plus Clinical); coding-DNA position 114, G replaced by A.
Protein change: p.Trp38Ter; replaces tryptophan 38 with a stop codon.
Molecular consequence: nonsense. On other transcripts: 5 prime UTR variant (1).
Genome position (GRCh38, 1-based): chr5:53,108,548, C>T on the plus strand (G>A on the coding strand, the complement: MOCS2 is on the minus strand). VCF-style: chr5-53108548-C-T. GRCh37 (hg19) VCF-style: chr5-52404378-C-T.
Other names: c.-74G>A (NM_004531.5); short protein forms W38*.
Identifiers: ClinVar variation 452473 (VCV000452473.3), dbSNP rs1554028123, ClinGen allele CA359694036.